The following is an entry in ClinVar:

NM_006302.3(MOGS):c.2003C>T (p.Pro668Leu)

Gene: MOGS (mannosyl-oligosaccharide glucosidase; minus strand). Cytogenetic location: 2p13.1.
Variant type: single nucleotide variant.
Coding change: c.2003C>T on transcript NM_006302.3 (MANE Select); coding-DNA position 2003, C replaced by T.
Protein change: p.Pro668Leu; replaces proline 668 with leucine.
Molecular consequence: missense variant.
Genome position (GRCh38, 1-based): chr2:74,461,786, G>A on the plus strand (C>T on the coding strand, the complement: MOGS is on the minus strand). VCF-style: chr2-74461786-G-A. GRCh37 (hg19) VCF-style: chr2-74688913-G-A.
Other names: c.1685C>T, p.Pro562Leu (NM_001146158.2); short protein forms P668L, P562L.
Identifiers: ClinVar variation 843482 (VCV000843482.5), dbSNP rs536491124, ClinGen allele CA1724683.

ClinVar aggregate classification (germline): Uncertain significance (1 of 4 stars; one submission).

Conditions:
MOGS-congenital disorder of glycosylation. Also called: MOGS-CDG; GLUCOSIDASE I DEFICIENCY; CDG IIb; CDG 2B. Identifiers: Orphanet 79330, MedGen C1853736, MONDO:0011629, OMIM 606056.

Allele frequency attached by ClinVar (database versions not stated): gnomAD below 0.00001 and 0.00001; gnomAD exomes 0.00001 and 0.00003; TOPMed 0.00001; ExAC 0.00004; 1000 Genomes Project 30x 0.00016; 1000 Genomes Project 0.00020.
gnomAD v4.1: 26 of 1,614,214 alleles (0.0016%); highest among the groups gnomAD compares: South Asian, 0.024%; no homozygotes.

Submission:

Labcorp Genetics (formerly Invitae), Labcorp
Classification: Uncertain significance for MOGS-congenital disorder of glycosylation. Last evaluated: 2021-12-10. Review status: criteria provided, single submitter. Criteria: Invitae Variant Classification Sherloc (09022015). Collection method: clinical testing. Allele origin: germline.
Comment: This sequence change replaces proline, which is neutral and non-polar, with leucine, which is neutral and non-polar, at codon 668 of the MOGS protein (p.Pro668Leu). This variant is present in population databases (rs536491124, gnomAD 0.03%). This variant has not been reported in the literature in individuals affected with MOGS-related conditions. ClinVar contains an entry for this variant (Variation ID: 843482). Algorithms developed to predict the effect of missense changes on protein structure and function are either unavailable or do not agree on the potential impact of this missense change (SIFT: "Deleterious"; PolyPhen-2: "Benign"; Align-GVGD: "Class C0"). In summary, the available evidence is currently insufficient to determine the role of this variant in disease. Therefore, it has been classified as a Variant of Uncertain Significance.